The following is an entry in ClinVar:

NM_003590.5(CUL3):c.137G>A (p.Arg46His)

Gene: CUL3 (cullin 3; minus strand). Cytogenetic location: 2q36.2.
Variant type: single nucleotide variant.
Coding change: c.137G>A on transcript NM_003590.5 (MANE Select); coding-DNA position 137, G replaced by A.
Protein change: p.Arg46His; replaces arginine 46 with histidine.
Molecular consequence: missense variant. On other transcripts: intron variant (1).
Genome position (GRCh38, 1-based): chr2:224,557,786, C>T on the plus strand (G>A on the coding strand, the complement: CUL3 is on the minus strand). VCF-style: chr2-224557786-C-T. GRCh37 (hg19) VCF-style: chr2-225422503-C-T.
Other names: c.155G>A, p.Arg52His (NM_001257198.2); c.67-22145G>A (NM_001257197.2); short protein forms R52H, R46H.
Identifiers: ClinVar variation 2174644 (VCV002174644.7), dbSNP rs190453078, ClinGen allele CA2140260.
Genomic context (GRCh38, chr2:224,557,786, plus strand): 5'-AAAACCATTGTATATGCATTTCTATAGAGCTCCTCAAAACTAAGACCACTGTTATTCTTA[C>T]GCTGGATTTCTTGAATTGCATTTTTCAGAAGGTCCCAAATGCTGTTTACATATTTTTCAT-3'
Protein context (NP_003581.1, residues 36-56): LLKNAIQEIQ[Arg46His]KNNSGLSFEE

ClinVar aggregate classification (germline): Conflicting classifications of pathogenicity. Review status: criteria provided, conflicting classifications (1 of 4 stars). 4 submissions from 4 submitters: Uncertain significance (1); Likely benign (3). Last evaluated 2025-09-27.

Conditions:
Pseudohypoaldosteronism type 2E (PHA2E). Also called: Pseudohypoaldosteronism Type IIE. Identifiers: Orphanet 300530, Orphanet 757, MedGen C3469606, MONDO:0013782, OMIM 614496.
Neurodevelopmental disorder with or without autism or seizures (NEDAUS). Identifiers: MedGen C5543225, MONDO:0030994, OMIM 619239.

Allele frequency attached by ClinVar (database versions not stated): gnomAD exomes 0.00004; gnomAD 0.00006; ExAC 0.00007; 1000 Genomes Project 30x 0.00031; 1000 Genomes Project 0.00040.
gnomAD v4.1: 67 of 1,579,620 alleles (0.0042%); highest among the groups gnomAD compares: South Asian, 0.0077%; no homozygotes.

Submissions (4):

Labcorp Genetics (formerly Invitae), Labcorp
Classification: Uncertain significance. Last evaluated: 2025-09-27. Review status: criteria provided, single submitter. Criteria: Invitae Variant Classification Sherloc (09022015). Collection method: clinical testing. Allele origin: germline.
Comment: This sequence change replaces arginine, which is basic and polar, with histidine, which is basic and polar, at codon 46 of the CUL3 protein (p.Arg46His). This variant is present in population databases (rs190453078, gnomAD 0.008%). This variant has not been reported in the literature in individuals affected with CUL3-related conditions. ClinVar contains an entry for this variant (Variation ID: 2174644). Invitae Evidence Modeling of protein sequence and biophysical properties (such as structural, functional, and spatial information, amino acid conservation, physicochemical variation, residue mobility, and thermodynamic stability) has been performed for this missense variant. However, the output from this modeling did not meet the statistical confidence thresholds required to predict the impact of this variant on CUL3 protein function. In summary, the available evidence is currently insufficient to determine the role of this variant in disease. Therefore, it has been classified as a Variant of Uncertain Significance.

Laboratory of Genetics, Children's Clinical University Hospital Latvia
Classification: Likely benign. Last evaluated: 2025-02-16. Review status: criteria provided, single submitter. Criteria: ACMG Guidelines, 2015. Collection method: clinical testing. Allele origin: germline. Affected: yes.

Blueprint Genetics
Classification: Likely benign. Last evaluated: 2024-10-11. Review status: criteria provided, single submitter. Criteria: ACMG Guidelines, 2015. Collection method: clinical testing. Allele origin: germline.

Fulgent Genetics
Classification: Likely benign for Pseudohypoaldosteronism type 2E; Neurodevelopmental disorder with or without autism or seizures. Last evaluated: 2024-05-28. Review status: criteria provided, single submitter. Criteria: ACMG Guidelines, 2015. Collection method: clinical testing. Allele origin: germline.